The following is an entry in ClinVar:

NM_006403.4(NEDD9):c.1511A>G (p.His504Arg)

Gene: NEDD9 (neural precursor cell expressed, developmentally down-regulated 9; minus strand). Cytogenetic location: 6p24.2.
Variant type: single nucleotide variant.
Coding change: c.1511A>G on transcript NM_006403.4 (MANE Select); coding-DNA position 1511, A replaced by G.
Protein change: p.His504Arg; replaces histidine 504 with arginine.
Molecular consequence: missense variant. On other transcripts: non-coding transcript variant (1).
Genome position (GRCh38, 1-based): chr6:11,190,358, T>C on the plus strand (A>G on the coding strand, the complement: NEDD9 is on the minus strand). VCF-style: chr6-11190358-T-C. GRCh37 (hg19) VCF-style: chr6-11190591-T-C.
Other names: c.1511A>G, p.His504Arg (NM_001142393.2); c.1064A>G, p.His355Arg (NM_001271033.2); c.1511A>G (NM_006403.3); short protein forms H355R, H504R.
Identifiers: ClinVar variation 727676 (VCV000727676.5), dbSNP rs150123400, ClinGen allele CA3636025.

ClinVar aggregate classification (germline): Likely benign. Review status: criteria provided, single submitter (1 of 4 stars). 2 submissions from 2 submitters: Likely benign (1). 1 of the submissions does not count toward it. Last evaluated 2018-08-16.

Conditions:
NEDD9-related disorder. Also called: NEDD9-related condition.

Allele frequency attached by ClinVar (database versions not stated): gnomAD exomes 0.00008 and 0.00029; ExAC 0.00035; ESP Exome Variant Server 0.00092; gnomAD 0.00103 and 0.00104; TOPMed 0.00117; 1000 Genomes Project 30x 0.00234; 1000 Genomes Project 0.00240.
gnomAD v4.1: 276 of 1,614,210 alleles (0.017%); highest among the groups gnomAD compares: African/African-American, 0.33%; no homozygotes.

Submissions (2):

Labcorp Genetics (formerly Invitae), Labcorp
Classification: Likely benign. Last evaluated: 2018-08-16. Review status: criteria provided, single submitter. Criteria: Invitae Variant Classification Sherloc (09022015). Collection method: clinical testing. Allele origin: germline.

PreventionGenetics, part of Exact Sciences
Classification: Likely benign for NEDD9-related condition. Last evaluated: 2022-02-10. Review status: no assertion criteria provided. Collection method: clinical testing. Allele origin: germline. Not counted in ClinVar's aggregate classification.
Comment: This variant is classified as likely benign based on ACMG/AMP sequence variant interpretation guidelines (Richards et al. 2015 PMID: 25741868, with internal and published modifications).